The following is an entry in ClinVar:

ClinVar aggregate classification (germline): Uncertain significance (1 of 4 stars; one submission).

Allele frequency attached by ClinVar (database versions not stated): TOPMed 0.00002.
gnomAD v4.1: 3 of 1,613,724 alleles (0.00019%); highest among the groups gnomAD compares: African/African-American, 0.004%; no homozygotes.

Submission:

Labcorp Genetics (formerly Invitae), Labcorp
Classification: Uncertain significance. Last evaluated: 2022-08-10. Review status: criteria provided, single submitter. Criteria: Invitae Variant Classification Sherloc (09022015). Collection method: clinical testing. Allele origin: germline.
Comment: In summary, the available evidence is currently insufficient to determine the role of this variant in disease. Therefore, it has been classified as a Variant of Uncertain Significance. Algorithms developed to predict the effect of missense changes on protein structure and function are either unavailable or do not agree on the potential impact of this missense change (SIFT: "Tolerated"; PolyPhen-2: "Possibly Damaging"; Align-GVGD: "Class C0"). ClinVar contains an entry for this variant (Variation ID: 1063897). This variant has not been reported in the literature in individuals affected with PDE6A-related conditions. This variant is not present in population databases (gnomAD no frequency). This sequence change replaces glutamic acid, which is acidic and polar, with glutamine, which is neutral and polar, at codon 656 of the PDE6A protein (p.Glu656Gln).

NM_000440.3(PDE6A):c.1966G>C (p.Glu656Gln)

Gene: PDE6A (phosphodiesterase 6A; minus strand). Cytogenetic location: 5q32.
Variant type: single nucleotide variant.
Coding change: c.1966G>C on transcript NM_000440.3 (MANE Select); coding-DNA position 1966, G replaced by C.
Protein change: p.Glu656Gln; replaces glutamic acid 656 with glutamine.
Molecular consequence: missense variant.
Genome position (GRCh38, 1-based): chr5:149,884,540, C>G on the plus strand (G>C on the coding strand, the complement: PDE6A is on the minus strand). VCF-style: chr5-149884540-C-G. GRCh37 (hg19) VCF-style: chr5-149264103-C-G.
Other names: short protein forms E656Q.
Identifiers: ClinVar variation 1063897 (VCV001063897.9), dbSNP rs199871385, ClinGen allele CA129059935.